The following is an entry in ClinVar:

ClinVar aggregate classification (germline): Uncertain significance. Review status: criteria provided, multiple submitters, no conflicts (2 of 4 stars). 2 submissions from 2 submitters: Uncertain significance (2). Last evaluated 2024-03-25.

Conditions:
Hereditary cancer-predisposing syndrome. Also called: Neoplastic Syndromes, Hereditary; Tumor predisposition; Hereditary Cancer Syndrome; Hereditary neoplastic syndrome. Identifiers: Orphanet 140162, MedGen C0027672, MeSH D009386, MONDO:0015356.
Multiple endocrine neoplasia, type 2 (MEN2). Identifiers: Orphanet 653, MedGen C4048306, MONDO:0019003. Disease mechanism: gain of function.

Submissions (2):

Ambry Genetics
Classification: Uncertain significance for Hereditary cancer-predisposing syndrome. Last evaluated: 2024-03-25. Review status: criteria provided, single submitter. Criteria: Ambry Variant Classification Scheme 2023. Collection method: clinical testing. Allele origin: germline.
Comment: The c.1882_1890dupCCACTGTGC variant (also known as p.P628_C630dup), located in coding exon 11 of the RET gene, results from an in-frame duplication of CCACTGTGC at nucleotide positions 1882 to 1890. This results in the in-frame duplication of 3 extra residues (PLC) between codons 628 and 630. This amino acid region is well conserved in available vertebrate species. In addition, the in silico prediction for this alteration is inconclusive (Choi Y et al. PLoS ONE. 2012; 7(10):e46688). Based on the available evidence, the clinical significance of this alteration remains unclear.

Labcorp Genetics (formerly Invitae), Labcorp
Classification: Uncertain significance for Multiple endocrine neoplasia, type 2. Last evaluated: 2024-01-30. Review status: criteria provided, single submitter. Criteria: Invitae Variant Classification Sherloc (09022015). Collection method: clinical testing. Allele origin: germline.
Comment: This variant, c.1882_1890dup, results in the insertion of 3 amino acid(s) of the RET protein (p.Pro628_Cys630dup), but otherwise preserves the integrity of the reading frame. This variant is not present in population databases (gnomAD no frequency). This variant has not been reported in the literature in individuals affected with RET-related conditions. In summary, the available evidence is currently insufficient to determine the role of this variant in disease. Therefore, it has been classified as a Variant of Uncertain Significance.

NM_020975.6(RET):c.1882_1890dup (p.Cys630_Asp631insProLeuCys)

Gene: RET (ret proto-oncogene; plus strand). Cytogenetic location: 10q11.21.
Variant type: Duplication.
Coding change: c.1882_1890dup on transcript NM_020975.6 (MANE Select); coding-DNA positions 1882 to 1890, 9 bases duplicated (CCACTGTGC; older notation c.1882_1890dupCCACTGTGC).
Protein change: p.Cys630_Asp631insProLeuCys.
Molecular consequence: inframe insertion. On other transcripts: inframe indel (2), intron variant (4).
Genome position (GRCh38, 1-based): chr10:43,114,482-43,114,490, CCACTGTGC duplicated. VCF-style (leftmost placement, unchanged base first): chr10-43114481-T-TCCACTGTGC. GRCh37 (hg19) VCF-style: chr10-43609929-T-TCCACTGTGC.
Other names: c.1753_1761dup, p.Cys587_Asp588insProLeuCys (NM_001406762.1, NM_001406764.1, NM_001406761.1); c.1594_1602dup, p.Cys534_Asp535insProLeuCys (NM_001406766.1, NM_001406767.1, NM_001406770.1); c.1486_1494dup, p.Cys498_Asp499insProLeuCys (NM_001406769.1, NM_001406772.1); c.1444_1452dup, p.Cys484_Asp485insProLeuCys (NM_001406771.1, NM_001406773.1); c.1357_1365dup, p.Cys455_Asp456insProLeuCys (NM_001406774.1); c.1156_1164dup, p.Cys388_Asp389insProLeuCys (NM_001406775.1, NM_001406776.1, NM_001406777.1 and 1 more transcripts); c.985_993dup, p.Cys331_Asp332insProLeuCys (NM_001406779.1, NM_001406780.1, NM_001406781.1 and 1 more transcripts); c.856_864dup, p.Cys288_Asp289insProLeuCys (NM_001406783.1, NM_001406786.1); and 11 more.
Identifiers: ClinVar variation 2714254 (VCV002714254.4), dbSNP rs2538492987, ClinGen allele CA2697558318.